The following is an entry in ClinVar:

NM_198999.3(SLC26A5):c.1915G>A (p.Val639Ile)

Gene: SLC26A5 (solute carrier family 26 member 5; minus strand). Cytogenetic location: 7q22.1.
Variant type: single nucleotide variant.
Coding change: c.1915G>A on transcript NM_198999.3 (MANE Select); coding-DNA position 1915, G replaced by A.
Protein change: p.Val639Ile; replaces valine 639 with isoleucine.
Molecular consequence: missense variant. On other transcripts: non-coding transcript variant (5), intron variant (2).
Genome position (GRCh38, 1-based): chr7:103,377,670, C>T on the plus strand (G>A on the coding strand, the complement: SLC26A5 is on the minus strand). VCF-style: chr7-103377670-C-T. GRCh37 (hg19) VCF-style: chr7-103018117-C-T.
Other names: c.1915G>A (NM_198999.2); c.1819G>A, p.Val607Ile (NM_001167962.2, NM_001321787.2); c.1915G>A, p.Val639Ile (NM_206883.3); c.971+20262G>A (NM_206885.3); c.1514+11338G>A (NM_206884.3); short protein forms V639I, V607I.
Identifiers: ClinVar variation 2961007 (VCV002961007.4), dbSNP rs142778863, ClinGen allele CA4419363.

ClinVar aggregate classification (germline): Likely benign. Review status: criteria provided, multiple submitters, no conflicts (2 of 4 stars). 2 submissions from 2 submitters: Likely benign (2). Last evaluated 2026-06-28.

Conditions:
SLC26A5-related disorder. Also called: SLC26A5-related condition.

Allele frequency attached by ClinVar (database versions not stated): gnomAD 0.00002; gnomAD exomes 0.00002; TOPMed 0.00003; ExAC 0.00007; ESP Exome Variant Server 0.00008.
gnomAD v4.1: 37 of 1,613,944 alleles (0.0023%); highest among the groups gnomAD compares: African/African-American, 0.0013%; no homozygotes.

Submissions (2):

PreventionGenetics, part of Exact Sciences
Classification: Likely benign for SLC26A5-related condition. Last evaluated: 2026-06-28. Review status: criteria provided, single submitter. Criteria: ACMG Guidelines, 2015. Collection method: clinical testing. Allele origin: germline.
Comment: This variant is classified as likely benign based on ACMG/AMP sequence variant interpretation guidelines (Richards et al. 2015 PMID: 25741868, with internal and published modifications).

Labcorp Genetics (formerly Invitae), Labcorp
Classification: Likely benign. Last evaluated: 2023-12-15. Review status: criteria provided, single submitter. Criteria: Invitae Variant Classification Sherloc (09022015). Collection method: clinical testing. Allele origin: germline.